The following is an entry in ClinVar:

NM_000051.4(ATM):c.5006-17A>G

Gene: ATM (ATM serine/threonine kinase; plus strand). Cytogenetic location: 11q22.3.
Variant type: single nucleotide variant.
Coding change: c.5006-17A>G on transcript NM_000051.4 (MANE Select); 17 bases into the intron before coding-DNA position 5006, A replaced by G.
Molecular consequence: intron variant.
Genome position (GRCh38, 1-based): chr11:108,299,697, A>G. VCF-style: chr11-108299697-A-G. GRCh37 (hg19) VCF-style: chr11-108170424-A-G.
Other names: c.5006-17A>G (NM_001351834.2).
Identifiers: ClinVar variation 2704943 (VCV002704943.4), dbSNP rs2135887361, ClinGen allele CA2512555344.
Genomic context (GRCh38, chr11:108,299,697, plus strand): 5'-TTTTGAAATTAGAAAATTTCAGTTTTATGTATGATCTCTTACCTATGACTCTACTGAAAT[A>G]GAATTTCTATATGTAGAGGCTGTTGGAAGCTGCTTGGGAGAAGTGGGTCCTATAGATTTC-3'

ClinVar aggregate classification (germline): Likely benign. Review status: criteria provided, multiple submitters, no conflicts (2 of 4 stars). 2 submissions from 2 submitters: Likely benign (2). Last evaluated 2024-05-21.

Conditions:
Ataxia-telangiectasia syndrome (AT). Also called: ATAXIA-TELANGIECTASIA, COMPLEMENTATION GROUP A; ATAXIA-TELANGIECTASIA, FRESNO VARIANT; Ataxia-telangiectasia, complementation group D; LOUIS-BAR SYNDROME; AT, COMPLEMENTATION GROUP C; Ataxia-telangiectasia. Identifiers: Orphanet 100, MedGen C0004135, MONDO:0008840, OMIM 208900.
Familial cancer of breast. Also called: BREAST CANCER, FAMILIAL; Hereditary breast cancer; hereditary breast carcinoma. Identifiers: Orphanet 227535, MedGen C0346153, MONDO:0016419, OMIM 114480. Disease mechanism: loss of function.

Submissions (2):

Myriad Genetics, Inc.
Classification: Likely benign for Familial cancer of breast. Last evaluated: 2024-05-21. Review status: criteria provided, single submitter. Criteria: Myriad Autosomal Dominant, Autosomal Recessive and X-Linked Classification Criteria (2023). Collection method: clinical testing. Allele origin: unknown.
Comment: This variant is considered likely benign. This variant is intronic and is not expected to impact mRNA splicing.

Labcorp Genetics (formerly Invitae), Labcorp
Classification: Likely benign for Ataxia-telangiectasia syndrome. Last evaluated: 2024-01-03. Review status: criteria provided, single submitter. Criteria: Invitae Variant Classification Sherloc (09022015). Collection method: clinical testing. Allele origin: germline.